The following is an entry in ClinVar:

ClinVar aggregate classification (germline): Uncertain significance (1 of 4 stars; one submission).

Submission:

GeneDx
Classification: Uncertain significance. Last evaluated: 2022-12-22. Review status: criteria provided, single submitter. Criteria: GeneDx Variant Classification Process June 2021. Collection method: clinical testing. Allele origin: germline. Affected: yes.
Comment: Not observed at significant frequency in large population cohorts (gnomAD); In silico analysis supports that this missense variant does not alter protein structure/function; Has not been previously published as pathogenic or benign to our knowledge

NM_022455.5(NSD1):c.7419T>G (p.His2473Gln)

Gene: NSD1 (nuclear receptor binding SET domain protein 1; plus strand). Cytogenetic location: 5q35.3.
Variant type: single nucleotide variant.
Coding change: c.7419T>G on transcript NM_022455.5 (MANE Select); coding-DNA position 7419, T replaced by G.
Protein change: p.His2473Gln; replaces histidine 2473 with glutamine.
Molecular consequence: missense variant.
Genome position (GRCh38, 1-based): chr5:177,294,787, T>G. VCF-style: chr5-177294787-T-G. GRCh37 (hg19) VCF-style: chr5-176721788-T-G.
Other names: c.6546T>G, p.His2182Gln (NM_001365684.2, NM_001409308.1, NM_172349.5); c.7419T>G, p.His2473Gln (NM_001409301.1, NM_001409302.1, NM_001409303.1); c.6999T>G, p.His2333Gln (NM_001409304.1); c.6666T>G, p.His2222Gln (NM_001409305.1); c.6657T>G, p.His2219Gln (NM_001409306.1, NM_001409307.1); c.6297T>G, p.His2099Gln (NM_001409309.1); short protein forms H2099Q, H2182Q, H2219Q, H2222Q, H2333Q, H2473Q.
Identifiers: ClinVar variation 2506701 (VCV002506701.1), dbSNP rs2480836522, ClinGen allele CA362331959.